The following is an entry in ClinVar:

ClinVar aggregate classification (germline): Uncertain significance (1 of 4 stars; one submission).

Conditions:
Hereditary cancer-predisposing syndrome. Also called: Hereditary Cancer Syndrome; Hereditary neoplastic syndrome; Tumor predisposition; Neoplastic Syndromes, Hereditary. Identifiers: Orphanet 140162, MedGen C0027672, MeSH D009386, MONDO:0015356.

Submission:

Ambry Genetics
Classification: Uncertain significance for Hereditary cancer-predisposing syndrome. Last evaluated: 2025-06-11. Review status: criteria provided, single submitter. Criteria: Ambry Variant Classification Scheme 2023. Collection method: clinical testing. Allele origin: germline.
Comment: The p.A76T variant (also known as c.226G>A), located in coding exon 1 of the STK11 gene, results from a G to A substitution at nucleotide position 226. The alanine at codon 76 is replaced by threonine, an amino acid with similar properties. This amino acid position is highly conserved in available vertebrate species. In addition, this alteration is predicted to be deleterious by in silico analysis. Since supporting evidence is limited at this time, the clinical significance of this alteration remains unclear.

NM_000455.5(STK11):c.226G>A (p.Ala76Thr)

Gene: STK11 (serine/threonine kinase 11; plus strand). Cytogenetic location: 19p13.3.
Variant type: single nucleotide variant.
Coding change: c.226G>A on transcript NM_000455.5 (MANE Select); coding-DNA position 226, G replaced by A.
Protein change: p.Ala76Thr; replaces alanine 76 with threonine.
Molecular consequence: missense variant.
Genome position (GRCh38, 1-based): chr19:1,207,139, G>A. VCF-style: chr19-1207139-G-A. GRCh37 (hg19) VCF-style: chr19-1207138-G-A.
Other names: c.226G>A, p.Ala76Thr (NM_001407255.1); short protein forms A76T.
Identifiers: ClinVar variation 1788764 (VCV001788764.3), dbSNP rs2145405651, ClinGen allele CA089301.